The following is an entry in ClinVar:

NM_198578.4(LRRK2):c.193T>C (p.Leu65=)

Gene: LRRK2 (leucine rich repeat kinase 2; plus strand). Cytogenetic location: 12q12.
Variant type: single nucleotide variant.
Coding change: c.193T>C on transcript NM_198578.4 (MANE Select); coding-DNA position 193, T replaced by C.
Protein change: p.Leu65=; no amino-acid change (leucine 65 retained).
Molecular consequence: synonymous variant.
Genome position (GRCh38, 1-based): chr12:40,225,596, T>C. VCF-style: chr12-40225596-T-C. GRCh37 (hg19) VCF-style: chr12-40619398-T-C.
Identifiers: ClinVar variation 3034084 (VCV003034084.2), dbSNP rs756784783, ClinGen allele CA6513015.
Genomic context (GRCh38, chr12:40,225,596, plus strand): 5'-CCACCCACTTGTTTTCCAGCCTCCAAGTTATTTCAAGGCAAAAATATCCATGTGCCTCTG[T>C]TGATCGTCTTGGACTCCTATATGAGAGTCGCGAGTGTGCAGCAGGTAAAGGCATTGTTTT-3'
Protein context (NP_940980.4, residues 55-75): FQGKNIHVPL[Leu65=]IVLDSYMRVA

ClinVar aggregate classification (germline): Likely benign (0 of 4 stars; one submission).

Conditions:
LRRK2-related disorder. Also called: LRRK2-related condition.

Allele frequency attached by ClinVar (database versions not stated): gnomAD exomes below 0.00001; TOPMed below 0.00001; ExAC 0.00001.
gnomAD v4.1: 1 of 1,614,162 alleles (0.000062%); highest among the groups gnomAD compares: Non-Finnish European, 0.000085%; no homozygotes.

Submission:

PreventionGenetics, part of Exact Sciences
Classification: Likely benign for LRRK2-related condition. Last evaluated: 2024-01-03. Review status: no assertion criteria provided. Collection method: clinical testing. Allele origin: germline.
Comment: This variant is classified as likely benign based on ACMG/AMP sequence variant interpretation guidelines (Richards et al. 2015 PMID: 25741868, with internal and published modifications).